The following is an entry in ClinVar:

NM_005640.3(TAF4B):c.1992T>C (p.Ile664=)

Gene: TAF4B (TATA-box binding protein associated factor 4b; plus strand). Cytogenetic location: 18q11.2.
Variant type: single nucleotide variant.
Coding change: c.1992T>C on transcript NM_005640.3 (MANE Select); coding-DNA position 1992, T replaced by C.
Protein change: p.Ile664=; no amino-acid change (isoleucine 664 retained).
Molecular consequence: synonymous variant. On other transcripts: non-coding transcript variant (1).
Genome position (GRCh38, 1-based): chr18:26,315,388, T>C. VCF-style: chr18-26315388-T-C. GRCh37 (hg19) VCF-style: chr18-23895352-T-C.
Other names: c.2007T>C, p.Ile669= (NM_001293725.2).
Identifiers: ClinVar variation 3055603 (VCV003055603.2), dbSNP rs3826624, ClinGen allele CA8921998.

ClinVar aggregate classification (germline): Benign (0 of 4 stars; one submission).

Conditions:
TAF4B-related disorder. Also called: TAF4B-related condition.

Allele frequency attached by ClinVar (database versions not stated): ExAC 0.02803; ESP Exome Variant Server 0.07862; TOPMed 0.08760; 1000 Genomes Project 0.09525; 1000 Genomes Project 30x 0.09838.
gnomAD v4.1: 28,007 of 1,611,536 alleles (1.7%); highest among the groups gnomAD compares: African/African-American, 26%; 2,743 homozygotes.

Submission:

PreventionGenetics, part of Exact Sciences
Classification: Benign for TAF4B-related condition. Last evaluated: 2019-03-27. Review status: no assertion criteria provided. Collection method: clinical testing. Allele origin: germline.
Comment: This variant is classified as benign based on ACMG/AMP sequence variant interpretation guidelines (Richards et al. 2015 PMID: 25741868, with internal and published modifications).